The following is an entry in ClinVar:

NM_000245.4(MET):c.2606_2607delinsAG (p.Ala869Glu)

Gene: MET (MET proto-oncogene, receptor tyrosine kinase; plus strand). Cytogenetic location: 7q31.2.
Variant type: Indel.
Coding change: c.2606_2607delinsAG on transcript NM_000245.4 (MANE Select); coding-DNA positions 2606 to 2607, CA replaced by AG.
Protein change: p.Ala869Glu; replaces alanine 869 with glutamic acid.
Molecular consequence: missense variant.
Genome position (GRCh38, 1-based): chr7:116,769,667-116,769,668, CA replaced by AG. VCF-style: chr7-116769667-CA-AG. GRCh37 (hg19) VCF-style: chr7-116409721-CA-AG.
Other names: c.2660_2661delinsAG, p.Ala887Glu (NM_001127500.3); c.2606_2607delinsAG, p.Ala869Glu (NM_001324401.3); c.1316_1317delinsAG, p.Ala439Glu (NM_001324402.2); short protein forms A439E, A869E, A887E.
Identifiers: ClinVar variation 1718486 (VCV001718486.5), dbSNP rs2485766711, ClinGen allele CA2580076272.

ClinVar aggregate classification (germline): Uncertain significance (1 of 4 stars; one submission).

Conditions:
Renal cell carcinoma. Identifiers: Orphanet 217071, MedGen C0007134, MeSH D002292, MONDO:0005086, HP:0005584.

Submission:

Labcorp Genetics (formerly Invitae), Labcorp
Classification: Uncertain significance for Renal cell carcinoma. Last evaluated: 2022-09-01. Review status: criteria provided, single submitter. Criteria: Invitae Variant Classification Sherloc (09022015). Collection method: clinical testing. Allele origin: germline.
Comment: This sequence change replaces alanine, which is neutral and non-polar, with glutamic acid, which is acidic and polar, at codon 887 of the MET protein (p.Ala887Glu). Information on the frequency of this variant in the gnomAD database is not available, as this variant may be reported differently in the database. This variant has not been reported in the literature in individuals affected with MET-related conditions. Algorithms developed to predict the effect of missense changes on protein structure and function are either unavailable or do not agree on the potential impact of this missense change (SIFT: "Not Available"; PolyPhen-2: "Probably Damaging"; Align-GVGD: "Not Available"). In summary, the available evidence is currently insufficient to determine the role of this variant in disease. Therefore, it has been classified as a Variant of Uncertain Significance.